The following is an entry in ClinVar:

NM_001145358.2(SIN3A):c.1283G>T (p.Arg428Leu)

Gene: SIN3A (SIN3 transcription regulator family member A; minus strand). Cytogenetic location: 15q24.2.
Variant type: single nucleotide variant.
Coding change: c.1283G>T on transcript NM_001145358.2 (MANE Select); coding-DNA position 1283, G replaced by T.
Protein change: p.Arg428Leu; replaces arginine 428 with leucine.
Molecular consequence: missense variant.
Genome position (GRCh38, 1-based): chr15:75,409,870, C>A on the plus strand (G>T on the coding strand, the complement: SIN3A is on the minus strand). VCF-style: chr15-75409870-C-A. GRCh37 (hg19) VCF-style: chr15-75702211-C-A.
Other names: c.1283G>T, p.Arg428Leu (NM_001145357.2, NM_015477.3); short protein forms R428L.
Identifiers: ClinVar variation 3252251 (VCV003252251.1), dbSNP rs771744359.
Genomic context (GRCh38, chr15:75,409,870, plus strand): 5'-AATGAGCAGCTGCTGCCCATTCTCACCTTAACTGGAGGGGTGGTTCCTGTAGGATGTCTG[C>A]GGATCTGGCAGCCATTCTGGCTGGGCCTCTGCGGCTTGTTGTTCAGTTGGGGCTTCTTGA-3'
Protein context (NP_001138830.1, residues 418-438): QRPSQNGCQI[Arg428Leu]RHPTGTTPPV

ClinVar aggregate classification (germline): Uncertain significance (1 of 4 stars; one submission).

Submission:

GeneDx
Classification: Uncertain significance. Last evaluated: 2023-12-06. Review status: criteria provided, single submitter. Criteria: GeneDx Variant Classification Process June 2021. Collection method: clinical testing. Allele origin: germline. Affected: yes.
Comment: Not observed at significant frequency in large population cohorts (gnomAD); In silico analysis supports that this missense variant does not alter protein structure/function; Has not been previously published as pathogenic or benign to our knowledge